The following is an entry in ClinVar:

NM_018230.3(NUP133):c.87C>T (p.Pro29=)

Genes: NUP133 (nucleoporin 133; minus strand), LOC129932732 (ATAC-STARR-seq lymphoblastoid silent region 1931; plus strand). Cytogenetic location: 1q42.13.
Variant type: single nucleotide variant.
Coding change: c.87C>T on transcript NM_018230.3 (MANE Select); coding-DNA position 87, C replaced by T.
Protein change: p.Pro29=; no amino-acid change (proline 29 retained).
Molecular consequence: synonymous variant.
Genome position (GRCh38, 1-based): chr1:229,508,163, G>A on the plus strand (C>T on the coding strand, the complement: NUP133 is on the minus strand). VCF-style: chr1-229508163-G-A. GRCh37 (hg19) VCF-style: chr1-229643910-G-A.
Other names: c.87C>T (NM_018230.2).
Identifiers: ClinVar variation 2049906 (VCV002049906.7), dbSNP rs747464090, ClinGen allele CA1443955.

ClinVar aggregate classification (germline): Benign/Likely benign. Review status: criteria provided, multiple submitters, no conflicts (2 of 4 stars). 3 submissions from 3 submitters: Benign (1); Likely benign (1). 1 of the submissions does not count toward it. Last evaluated 2025-10-24.

Conditions:
NUP133-related disorder. Also called: NUP133-related condition.

Allele frequency attached by ClinVar (database versions not stated): gnomAD exomes 0.00003; gnomAD 0.00017; TOPMed 0.00017; ExAC 0.00028.
gnomAD v4.1: 84 of 1,594,678 alleles (0.0053%); highest among the groups gnomAD compares: East Asian, 0.097%; no homozygotes.

Submissions (3):

Labcorp Genetics (formerly Invitae), Labcorp
Classification: Benign. Last evaluated: 2025-10-24. Review status: criteria provided, single submitter. Criteria: Invitae Variant Classification Sherloc (09022015). Collection method: clinical testing. Allele origin: germline.

Blueprint Genetics
Classification: Likely benign. Last evaluated: 2024-10-14. Review status: criteria provided, single submitter. Criteria: ACMG Guidelines, 2015. Collection method: clinical testing. Allele origin: germline.

PreventionGenetics, part of Exact Sciences
Classification: Likely benign for NUP133-related condition. Last evaluated: 2019-02-21. Review status: no assertion criteria provided. Collection method: clinical testing. Allele origin: germline. Not counted in ClinVar's aggregate classification.
Comment: This variant is classified as likely benign based on ACMG/AMP sequence variant interpretation guidelines (Richards et al. 2015 PMID: 25741868, with internal and published modifications).